The following is an entry in ClinVar:

NM_007078.3(LDB3):c.1696A>G (p.Met566Val)

Gene: LDB3 (LIM domain binding 3; plus strand). Cytogenetic location: 10q23.2.
Variant type: single nucleotide variant.
Coding change: c.1696A>G on transcript NM_007078.3 (MANE Select); coding-DNA position 1696, A replaced by G.
Protein change: p.Met566Val; replaces methionine 566 with valine.
Molecular consequence: missense variant.
Genome position (GRCh38, 1-based): chr10:86,717,983, A>G. VCF-style: chr10-86717983-A-G. GRCh37 (hg19) VCF-style: chr10-88477740-A-G.
Other names: c.1555A>G, p.Met519Val (NM_001368066.1); c.1696A>G (LRG_385t1); c.1366A>G, p.Met456Val (NM_001080114.2); c.1711A>G, p.Met571Val (NM_001171610.2); c.1507A>G, p.Met503Val (NM_001368064.1, NM_001368065.1); short protein forms M456V, M566V, M503V, M519V, M571V.
Identifiers: ClinVar variation 646981 (VCV000646981.18), dbSNP rs775232208, ClinGen allele CA5585217.

ClinVar aggregate classification (germline): Uncertain significance. Review status: criteria provided, multiple submitters, no conflicts (2 of 4 stars). 7 submissions from 7 submitters: Uncertain significance (7). Last evaluated 2026-05-26.

Conditions:
Primary familial dilated cardiomyopathy (FDC). Also called: Hypokinetic dilated cardiomyopathy, familial; Familial dilated cardiomyopathy. Identifiers: Orphanet 217607, MedGen C0340427, MONDO:0016333.
Cardiovascular phenotype. Identifiers: MedGen CN230736.
Dilated cardiomyopathy 1C (CMD1C). Also called: Cardiomyopathy, dilated, 1C, with or without LVNC; CARDIOMYOPATHY, DILATED, 1C, WITH OR WITHOUT LEFT VENTRICULAR NONCOMPACTION. Identifiers: Orphanet 154, Orphanet 54260, MedGen C1832244, MONDO:0011094, OMIM 601493.
Myofibrillar myopathy 4. Also called: Zaspopathy (type). Identifiers: Orphanet 98912, MedGen C4721886, MONDO:0012277, OMIM 609452.

Allele frequency attached by ClinVar (database versions not stated): TOPMed 0.00003; gnomAD exomes 0.00002 and 0.00004; ExAC 0.00002; gnomAD 0.00002.
gnomAD v4.1: 38 of 1,614,048 alleles (0.0024%); highest among the groups gnomAD compares: Admixed American, 0.02%; no homozygotes.

Submissions (7):

Women's Health and Genetics/Laboratory Corporation of America, LabCorp
Classification: Uncertain significance. Last evaluated: 2026-05-26. Review status: criteria provided, single submitter. Criteria: LabCorp Variant Classification Summary - May 2015. Collection method: clinical testing. Allele origin: germline.
Comment: Variant summary: LDB3 c.1696A>G (p.Met566Val) results in a conservative amino acid change in the encoded protein sequence. Algorithms developed to predict the effect of missense changes on protein structure and function are either unavailable or do not agree on the potential impact of this missense change. The variant allele was found at a frequency of 4e-05 in 251452 control chromosomes. This frequency is not significantly higher than estimated for disease-causing variants in LDB3, allowing no conclusion about variant significance. To our knowledge, no occurrence of c.1696A>G in individuals affected with LDB3-related conditions and no experimental evidence demonstrating its impact on protein function have been reported. ClinVar contains an entry for this variant (Variation ID: 646981). Based on the evidence outlined above, the variant was classified as uncertain significance.

Labcorp Genetics (formerly Invitae), Labcorp
Classification: Uncertain significance for Myofibrillar myopathy 4. Last evaluated: 2025-08-07. Review status: criteria provided, single submitter. Criteria: Invitae Variant Classification Sherloc (09022015). Collection method: clinical testing. Allele origin: germline.
Comment: The LDB3 gene has multiple clinically relevant transcripts. This variant occurs in alternate transcript NM_007078.3, and corresponds to NM_001080116.1:c.*18609A>G in the primary transcript. This sequence change replaces methionine, which is neutral and non-polar, with valine, which is neutral and non-polar, at codon 566 of the LDB3 protein (p.Met566Val). This variant is present in population databases (rs775232208, gnomAD 0.01%). This variant has not been reported in the literature in individuals affected with LDB3-related conditions. ClinVar contains an entry for this variant (Variation ID: 646981). Experimental studies and prediction algorithms are not available or were not evaluated, and the functional significance of this variant is currently unknown. In summary, the available evidence is currently insufficient to determine the role of this variant in disease. Therefore, it has been classified as a Variant of Uncertain Significance.

GeneDx
Classification: Uncertain significance. Last evaluated: 2023-07-05. Review status: criteria provided, single submitter. Criteria: GeneDx Variant Classification Process June 2021. Collection method: clinical testing. Allele origin: germline. Affected: yes.
Comment: In silico analysis supports that this missense variant does not alter protein structure/function; Has not been previously published as pathogenic or benign to our knowledge

Ambry Genetics
Classification: Uncertain significance for Cardiovascular phenotype. Last evaluated: 2023-06-19. Review status: criteria provided, single submitter. Criteria: Ambry Variant Classification Scheme 2023. Collection method: clinical testing. Allele origin: germline.
Comment: The p.M566V variant (also known as c.1696A>G), located in coding exon 10 of the LDB3 gene, results from an A to G substitution at nucleotide position 1696. The methionine at codon 566 is replaced by valine, an amino acid with highly similar properties. This amino acid position is conserved. In addition, the in silico prediction for this alteration is inconclusive. Since supporting evidence is limited at this time, the clinical significance of this alteration remains unclear.

Baylor Genetics
Classification: Uncertain significance for Dilated cardiomyopathy 1C. Last evaluated: 2022-02-10. Review status: criteria provided, single submitter. Criteria: ACMG Guidelines, 2015. Collection method: clinical testing. Allele origin: unknown.

Laboratory for Molecular Medicine, Mass General Brigham Personalized Medicine
Classification: Uncertain significance. Last evaluated: 2020-06-15. Review status: criteria provided, single submitter. Criteria: LMM Criteria. Collection method: clinical testing. Allele origin: germline. Observed: 1 variant allele.
Comment: The p.Met566Val variant in LDB3 has not been previously reported in individuals with cardiomyopathy but has been identified in 0.01% (5/34590) of Latino and 0.004% (5/113736) of European chromosomes by gnomAD. Computational prediction tools and conservation analyses do not provide strong support for or against an impact to the protein. In summary, the clinical significance of this variant is uncertain. ACMG/AMP Criteria applied: none.

Molecular Diagnostic Laboratory for Inherited Cardiovascular Disease, Montreal Heart Institute
Classification: Uncertain significance for Familial dilated cardiomyopathy. Review status: criteria provided, single submitter. Criteria: ACMG Guidelines, 2015. Collection method: clinical testing. Allele origin: germline. Affected: yes.